The following is an entry in ClinVar:

NM_000245.4(MET):c.2234A>T (p.Tyr745Phe)

Gene: MET (MET proto-oncogene, receptor tyrosine kinase; plus strand). Cytogenetic location: 7q31.2.
Variant type: single nucleotide variant.
Coding change: c.2234A>T on transcript NM_000245.4 (MANE Select); coding-DNA position 2234, A replaced by T.
Protein change: p.Tyr745Phe; replaces tyrosine 745 with phenylalanine.
Molecular consequence: missense variant.
Genome position (GRCh38, 1-based): chr7:116,758,590, A>T. VCF-style: chr7-116758590-A-T. GRCh37 (hg19) VCF-style: chr7-116398644-A-T.
Other names: c.2234A>T (NM_001127500.1); c.2234A>T, p.Tyr745Phe (NM_001127500.3, NM_001324401.3); c.944A>T, p.Tyr315Phe (NM_001324402.2); short protein forms Y315F, Y745F.
Identifiers: ClinVar variation 1014865 (VCV001014865.9), dbSNP rs1794278950, ClinGen allele CA368980816.
Genomic context (GRCh38, chr7:116,758,590, plus strand): 5'-AAATTGACTTAGCCAACCGAGAGACAAGCATCTTCAGTTACCGTGAAGATCCCATTGTCT[A>T]TGAAATTCATCCAACCAAATCTTTTATTAGGTAAGTAGAAGCTTCTGATGGGTATAAGAA-3'
Protein context (NP_000236.2, residues 735-755): IFSYREDPIV[Tyr745Phe]EIHPTKSFIS

ClinVar aggregate classification (germline): Conflicting classifications of pathogenicity. Review status: criteria provided, conflicting classifications (1 of 4 stars). 2 submissions from 2 submitters: Uncertain significance (1); Likely benign (1). Last evaluated 2026-04-21.

Conditions:
Hereditary cancer-predisposing syndrome. Also called: Hereditary neoplastic syndrome; Neoplastic Syndromes, Hereditary; Tumor predisposition; Hereditary Cancer Syndrome. Identifiers: Orphanet 140162, MedGen C0027672, MeSH D009386, MONDO:0015356.
Renal cell carcinoma. Identifiers: Orphanet 217071, MedGen C0007134, MeSH D002292, MONDO:0005086, HP:0005584.

Submissions (2):

Ambry Genetics
Classification: Likely benign for Hereditary cancer-predisposing syndrome. Last evaluated: 2026-04-21. Review status: criteria provided, single submitter. Criteria: Ambry Variant Classification Scheme 2023. Collection method: clinical testing. Allele origin: germline.

Labcorp Genetics (formerly Invitae), Labcorp
Classification: Uncertain significance for Renal cell carcinoma. Last evaluated: 2020-07-07. Review status: criteria provided, single submitter. Criteria: Invitae Variant Classification Sherloc (09022015). Collection method: clinical testing. Allele origin: germline.
Comment: This sequence change replaces tyrosine with phenylalanine at codon 745 of the MET protein (p.Tyr745Phe). The tyrosine residue is weakly conserved and there is a small physicochemical difference between tyrosine and phenylalanine. This variant is not present in population databases (ExAC no frequency). This variant has not been reported in the literature in individuals with MET-related conditions. Algorithms developed to predict the effect of missense changes on protein structure and function (SIFT, PolyPhen-2, Align-GVGD) all suggest that this variant is likely to be tolerated, but these predictions have not been confirmed by published functional studies and their clinical significance is uncertain. In summary, the available evidence is currently insufficient to determine the role of this variant in disease. Therefore, it has been classified as a Variant of Uncertain Significance.